The following is an entry in ClinVar:

ClinVar aggregate classification (germline): Pathogenic. Review status: criteria provided, single submitter (1 of 4 stars). 2 submissions from 2 submitters: Pathogenic (1). 1 of the submissions does not count toward it. Last evaluated 2024-01-16.

Conditions:
Multiple congenital anomalies-hypotonia-seizures syndrome 1 (MCAHS1). Also called: PIGN-CDG; Congenital disorder of glycosylation due to PIGN deficiency; GLYCOSYLPHOSPHATIDYLINOSITOL BIOSYNTHESIS DEFECT 3. Identifiers: Orphanet 280633, MedGen C3279775, MONDO:0013563, OMIM 614080.

Submissions (2):

Labcorp Genetics (formerly Invitae), Labcorp
Classification: Pathogenic for Multiple congenital anomalies-hypotonia-seizures syndrome 1. Last evaluated: 2024-01-16. Review status: criteria provided, single submitter. Criteria: Invitae Variant Classification Sherloc (09022015). Collection method: clinical testing. Allele origin: germline.
Comment: This sequence change creates a premature translational stop signal (p.Phe597Serfs*11) in the PIGN gene. It is expected to result in an absent or disrupted protein product. Loss-of-function variants in PIGN are known to be pathogenic (PMID: 24253414, 27038415). This variant is not present in population databases (gnomAD no frequency). This premature translational stop signal has been observed in individual(s) with clinical features of PIGN-congenital disorder of glycosylation (PMID: 35179230). ClinVar contains an entry for this variant (Variation ID: 694261). For these reasons, this variant has been classified as Pathogenic.

Institute of Human Genetics, Cologne University
Classification: Likely pathogenic for Multiple congenital anomalies-hypotonia-seizures syndrome 1. Review status: no assertion criteria provided. Collection method: clinical testing. Allele origin: germline. Affected: yes. Not counted in ClinVar's aggregate classification.

Literature cited by the submitters: PubMed 24253414 (cited by Labcorp Genetics (formerly Invitae), Labcorp); PubMed 27038415 (cited by Labcorp Genetics (formerly Invitae), Labcorp); PubMed 35179230 (cited by Labcorp Genetics (formerly Invitae), Labcorp).

NM_176787.5(PIGN):c.1790del (p.Phe597fs)

Genes: PIGN (phosphatidylinositol glycan anchor biosynthesis class N; minus strand), LOC132090497 (Neanderthal introgressed variant-containing enhancer experimental_48690; plus strand). Cytogenetic location: 18q21.33.
Variant type: Deletion.
Coding change: c.1790del on transcript NM_176787.5 (MANE Select); coding-DNA position 1790, one base deleted (T; older notation c.1790delT).
Protein change: p.Phe597fs; shifts the reading frame from phenylalanine 597.
Molecular consequence: frameshift variant.
Genome position (GRCh38, 1-based): chr18:62,105,612, A deleted on the plus strand (T on the coding strand, the reverse complement: PIGN is on the minus strand); the first of 3 consecutive A bases (chr18:62,105,612-62,105,614); deleting any one gives the same sequence. VCF-style (leftmost placement, unchanged base first): chr18-62105611-GA-G. GRCh37 (hg19) VCF-style: chr18-59772844-GA-G.
Other names: c.1790del, p.Phe597fs (NM_012327.6); short protein forms F597fs.
Identifiers: ClinVar variation 694261 (VCV000694261.4), dbSNP rs1599531710, ClinGen allele CA915951572.